The following is an entry in ClinVar:

NM_032043.3(BRIP1):c.2327C>T (p.Ala776Val)

Gene: BRIP1 (BRCA1 interacting DNA helicase 1; minus strand). Cytogenetic location: 17q23.2.
Variant type: single nucleotide variant.
Coding change: c.2327C>T on transcript NM_032043.3 (MANE Select); coding-DNA position 2327, C replaced by T.
Protein change: p.Ala776Val; replaces alanine 776 with valine.
Molecular consequence: missense variant.
Genome position (GRCh38, 1-based): chr17:61,743,065, G>A on the plus strand (C>T on the coding strand, the complement: BRIP1 is on the minus strand). VCF-style: chr17-61743065-G-A. GRCh37 (hg19) VCF-style: chr17-59820426-G-A.
Other names: short protein forms A776V.
Identifiers: ClinVar variation 1789664 (VCV001789664.2), dbSNP rs1555590421, ClinGen allele CA400482622.

ClinVar aggregate classification (germline): Uncertain significance (1 of 4 stars; one submission).

Conditions:
Hereditary cancer-predisposing syndrome. Also called: Hereditary Cancer Syndrome; Hereditary neoplastic syndrome; Tumor predisposition; Neoplastic Syndromes, Hereditary. Identifiers: Orphanet 140162, MedGen C0027672, MeSH D009386, MONDO:0015356.

Submission:

Ambry Genetics
Classification: Uncertain significance for Hereditary cancer-predisposing syndrome. Last evaluated: 2021-11-10. Review status: criteria provided, single submitter. Criteria: Ambry Variant Classification Scheme 2023. Collection method: clinical testing. Allele origin: germline.
Comment: The p.A776V variant (also known as c.2327C>T), located in coding exon 15 of the BRIP1 gene, results from a C to T substitution at nucleotide position 2327. The alanine at codon 776 is replaced by valine, an amino acid with similar properties. This amino acid position is conserved. In addition, the in silico prediction for this alteration is inconclusive. Since supporting evidence is limited at this time, the clinical significance of this alteration remains unclear.